The following is an entry in ClinVar:

ClinVar aggregate classification (germline): Likely pathogenic (1 of 4 stars; one submission).

Conditions:
Autosomal recessive nonsyndromic hearing loss 3. Also called: NEUROSENSORY NONSYNDROMIC RECESSIVE DEAFNESS 3. Identifiers: Orphanet 90636, MedGen C1838263, MONDO:0010860, OMIM 600316.

Submission:

Institute of Rare Diseases, West China Hospital, Sichuan University
Classification: Likely pathogenic for Autosomal recessive nonsyndromic hearing loss 3. Last evaluated: 2025-01-09. Review status: criteria provided, single submitter. Criteria: ClinGen HL ACMG Specifications v1. Collection method: research. Allele origin: germline. Affected: yes.
Comment: PVS1;PM2_Supporting

NM_016239.4(MYO15A):c.7963del (p.Ser2655fs)

Gene: MYO15A (myosin XVA; plus strand). Cytogenetic location: 17p11.2.
Variant type: Deletion.
Coding change: c.7963del on transcript NM_016239.4 (MANE Select); coding-DNA position 7963, one base deleted (T; older notation c.7963delT).
Protein change: p.Ser2655fs; shifts the reading frame from serine 2655.
Molecular consequence: frameshift variant.
Genome position (GRCh38, 1-based): chr17:18,152,181, T deleted; the last of 2 consecutive T bases (chr17:18,152,180-18,152,181); deleting either gives the same sequence. VCF-style (leftmost placement, unchanged base first): chr17-18152179-CT-C. GRCh37 (hg19) VCF-style: chr17-18055493-CT-C.
Other names: short protein forms S2655fs.
Identifiers: ClinVar variation 3601392 (VCV003601392.1).